The following is an entry in ClinVar:

NM_032119.4(ADGRV1):c.3236A>T (p.Asp1079Val)

Gene: ADGRV1 (adhesion G protein-coupled receptor V1; plus strand). Cytogenetic location: 5q14.3.
Variant type: single nucleotide variant.
Coding change: c.3236A>T on transcript NM_032119.4 (MANE Select); coding-DNA position 3236, A replaced by T.
Protein change: p.Asp1079Val; replaces aspartic acid 1079 with valine.
Molecular consequence: missense variant. On other transcripts: non-coding transcript variant (1).
Genome position (GRCh38, 1-based): chr5:90,647,711, A>T. VCF-style: chr5-90647711-A-T. GRCh37 (hg19) VCF-style: chr5-89943528-A-T.
Other names: short protein forms D1079V.
Identifiers: ClinVar variation 2011942 (VCV002011942.4), dbSNP rs1389450168, ClinGen allele CA360393900.

ClinVar aggregate classification (germline): Uncertain significance. Review status: criteria provided, multiple submitters, no conflicts (2 of 4 stars). 2 submissions from 2 submitters: Uncertain significance (2). Last evaluated 2022-11-21.

gnomAD v4.1: 59 of 1,613,758 alleles (0.0037%); highest among the groups gnomAD compares: Non-Finnish European, 0.005%; no homozygotes.

Submissions (2):

Labcorp Genetics (formerly Invitae), Labcorp
Classification: Uncertain significance. Last evaluated: 2022-11-21. Review status: criteria provided, single submitter. Criteria: Invitae Variant Classification Sherloc (09022015). Collection method: clinical testing. Allele origin: germline.
Comment: In summary, the available evidence is currently insufficient to determine the role of this variant in disease. Therefore, it has been classified as a Variant of Uncertain Significance. Advanced modeling of protein sequence and biophysical properties (such as structural, functional, and spatial information, amino acid conservation, physicochemical variation, residue mobility, and thermodynamic stability) performed at Invitae indicates that this missense variant is not expected to disrupt ADGRV1 protein function. This variant has not been reported in the literature in individuals affected with ADGRV1-related conditions. This variant is present in population databases (no rsID available, gnomAD 0.002%). This sequence change replaces aspartic acid, which is acidic and polar, with valine, which is neutral and non-polar, at codon 1079 of the ADGRV1 protein (p.Asp1079Val).

Blueprint Genetics
Classification: Uncertain significance. Last evaluated: 2022-06-24. Review status: criteria provided, single submitter. Criteria: ACMG Guidelines, 2015. Collection method: clinical testing. Allele origin: germline.